The following is an entry in ClinVar:

NM_000038.6(APC):c.8510C>G (p.Ser2837Cys)

Gene: APC (APC regulator of Wnt signaling pathway; plus strand). Cytogenetic location: 5q22.2.
Variant type: single nucleotide variant.
Coding change: c.8510C>G on transcript NM_000038.6 (MANE Select); coding-DNA position 8510, C replaced by G.
Protein change: p.Ser2837Cys; replaces serine 2837 with cysteine.
Molecular consequence: missense variant.
Genome position (GRCh38, 1-based): chr5:112,844,104, C>G. VCF-style: chr5-112844104-C-G. GRCh37 (hg19) VCF-style: chr5-112179801-C-G.
Other names: c.8510C>G, p.Ser2837Cys (NM_001127510.3, NM_001354895.2); c.8456C>G, p.Ser2819Cys (NM_001127511.3); c.8564C>G, p.Ser2855Cys (NM_001354896.2); c.8540C>G, p.Ser2847Cys (NM_001354897.2); c.8435C>G, p.Ser2812Cys (NM_001354898.2); c.8426C>G, p.Ser2809Cys (NM_001354899.2); c.8387C>G, p.Ser2796Cys (NM_001354900.2); c.8333C>G, p.Ser2778Cys (NM_001354901.2); and 5 more; short protein forms S2812C, S2847C, S2711C, S2736C, S2746C, S2796C, S2837C, S2554C.
Identifiers: ClinVar variation 822525 (VCV000822525.9), dbSNP rs760103966, ClinGen allele CA050932.

ClinVar aggregate classification (germline): Uncertain significance. Review status: criteria provided, multiple submitters, no conflicts (2 of 4 stars). 2 submissions from 2 submitters: Uncertain significance (2). Last evaluated 2025-12-15.

Conditions:
Familial adenomatous polyposis 1 (FAP1). Also called: FAMILIAL ADENOMATOUS POLYPOSIS 1, ATTENUATED; POLYPOSIS, ADENOMATOUS INTESTINAL. Identifiers: MedGen C2713442, MONDO:0021056, OMIM 175100. Disease mechanism: loss of function.
Hereditary cancer-predisposing syndrome. Also called: Tumor predisposition; Hereditary Cancer Syndrome; Neoplastic Syndromes, Hereditary; Hereditary neoplastic syndrome. Identifiers: Orphanet 140162, MedGen C0027672, MeSH D009386, MONDO:0015356.

Allele frequency attached by ClinVar (database versions not stated): gnomAD exomes below 0.00001; ExAC 0.00001.
gnomAD v4.1: 1 of 1,613,098 alleles (0.000062%); highest among the groups gnomAD compares: East Asian, 0.0022%; no homozygotes.

Submissions (2):

Labcorp Genetics (formerly Invitae), Labcorp
Classification: Uncertain significance for Familial adenomatous polyposis 1. Last evaluated: 2025-12-15. Review status: criteria provided, single submitter. Criteria: Invitae Variant Classification Sherloc (09022015). Collection method: clinical testing. Allele origin: germline.
Comment: This sequence change replaces serine, which is neutral and polar, with cysteine, which is neutral and slightly polar, at codon 2837 of the APC protein (p.Ser2837Cys). This variant is present in population databases (rs760103966, gnomAD 0.006%). This variant has not been reported in the literature in individuals affected with APC-related conditions. ClinVar contains an entry for this variant (Variation ID: 822525). Invitae Evidence Modeling of protein sequence and biophysical properties (such as structural, functional, and spatial information, amino acid conservation, physicochemical variation, residue mobility, and thermodynamic stability) indicates that this missense variant is not expected to disrupt APC protein function with a negative predictive value of 95%. In summary, the available evidence is currently insufficient to determine the role of this variant in disease. Therefore, it has been classified as a Variant of Uncertain Significance.

Ambry Genetics
Classification: Uncertain significance for Hereditary cancer-predisposing syndrome. Last evaluated: 2023-11-20. Review status: criteria provided, single submitter. Criteria: Ambry Variant Classification Scheme 2023. Collection method: clinical testing. Allele origin: germline.
Comment: The p.S2837C variant (also known as c.8510C>G), located in coding exon 15 of the APC gene, results from a C to G substitution at nucleotide position 8510. The serine at codon 2837 is replaced by cysteine, an amino acid with dissimilar properties. This amino acid position is highly conserved in available vertebrate species. In addition, in silico predictors for this gene do not accurately predict pathogenicity. Since supporting evidence is limited at this time, the clinical significance of this alteration remains unclear.